The following is an entry in ClinVar:

NM_001024845.3(SLC6A9):c.508C>G (p.Arg170Gly)

Gene: SLC6A9 (solute carrier family 6 member 9; minus strand). Cytogenetic location: 1p34.1.
Variant type: single nucleotide variant.
Coding change: c.508C>G on transcript NM_001024845.3 (MANE Select); coding-DNA position 508, C replaced by G.
Protein change: p.Arg170Gly; replaces arginine 170 with glycine.
Molecular consequence: missense variant. On other transcripts: non-coding transcript variant (1).
Genome position (GRCh38, 1-based): chr1:44,008,435, G>C on the plus strand (C>G on the coding strand, the complement: SLC6A9 is on the minus strand). VCF-style: chr1-44008435-G-C. GRCh37 (hg19) VCF-style: chr1-44474107-G-C.
Other names: c.520C>G, p.Arg174Gly (NM_001261380.2); c.175C>G, p.Arg59Gly (NM_001328626.2, NM_001328630.2); c.445C>G, p.Arg149Gly (NM_001328627.1); c.313C>G, p.Arg105Gly (NM_001328628.1); c.508C>G, p.Arg170Gly (NM_001328629.1); c.565C>G, p.Arg189Gly (NM_006934.4); c.727C>G, p.Arg243Gly (NM_201649.4); short protein forms R149G, R189G, R170G, R174G, R243G, R59G, R105G.
Identifiers: ClinVar variation 1376186 (VCV001376186.8), dbSNP rs774340135, ClinGen allele CA340071602.

ClinVar aggregate classification (germline): Uncertain significance (1 of 4 stars; one submission).

Conditions:
Atypical glycine encephalopathy. Also called: Glycine encephalopathy with normal serum glycine. Identifiers: Orphanet 289863, MedGen C4310943, MONDO:0015010, OMIM 617301.

Allele frequency attached by ClinVar (database versions not stated): TOPMed below 0.00001.

Submission:

Labcorp Genetics (formerly Invitae), Labcorp
Classification: Uncertain significance for Atypical glycine encephalopathy. Last evaluated: 2024-08-13. Review status: criteria provided, single submitter. Criteria: Invitae Variant Classification Sherloc (09022015). Collection method: clinical testing. Allele origin: germline.
Comment: This sequence change replaces arginine, which is basic and polar, with glycine, which is neutral and non-polar, at codon 243 of the SLC6A9 protein (p.Arg243Gly). This variant is not present in population databases (gnomAD no frequency). This variant has not been reported in the literature in individuals affected with SLC6A9-related conditions. ClinVar contains an entry for this variant (Variation ID: 1376186). An algorithm developed to predict the effect of missense changes on protein structure and function outputs the following: PolyPhen-2: "Benign". The glycine amino acid residue is found in multiple mammalian species, which suggests that this missense change does not adversely affect protein function. In summary, the available evidence is currently insufficient to determine the role of this variant in disease. Therefore, it has been classified as a Variant of Uncertain Significance.